The following is an entry in ClinVar:

ClinVar aggregate classification (germline): Uncertain significance (1 of 4 stars; one submission).

Conditions:
Primary dilated cardiomyopathy (DCM). Also called: Dilated Cardiomyopathy. Identifiers: Orphanet 217604, MedGen C0007193, MeSH D002311, MONDO:0005021, HP:0001644. Inheritance: Various modes of inheritance.

Submission:

Labcorp Genetics (formerly Invitae), Labcorp
Classification: Uncertain significance for Primary dilated cardiomyopathy. Last evaluated: 2021-08-12. Review status: criteria provided, single submitter. Criteria: Invitae Variant Classification Sherloc (09022015). Collection method: clinical testing. Allele origin: germline.
Comment: This variant is a gross deletion of the genomic region encompassing exon(s) 1-2 of the TXNRD2 gene, which includes the initiator codon. This deletion extends beyond the assayed region for this gene and therefore may encompass additional genes. It is expected to result in an absent or disrupted protein product. However, the current clinical and genetic evidence is not sufficient to establish whether loss-of-function variants in TXNRD2 cause disease. This variant has not been reported in the literature in individuals affected with TXNRD2-related conditions. In summary, the available evidence is currently insufficient to determine the role of this variant in disease. Therefore, it has been classified as a Variant of Uncertain Significance.

NC_000022.10:g.(?_19918553)_(19969614_?)del

Genes: ARVCF (ARVCF delta catenin family member; minus strand), COMT (catechol-O-methyltransferase; plus strand), TXNRD2 (thioredoxin reductase 2; minus strand). Cytogenetic location: 22q11.21.
Variant type: Deletion.
Identifiers: ClinVar variation 1446528 (VCV001446528.7).